The following is an entry in ClinVar:

ClinVar aggregate classification (germline): Conflicting classifications of pathogenicity. Review status: criteria provided, conflicting classifications (1 of 4 stars). 6 submissions from 6 submitters: Likely pathogenic (3); Uncertain significance (2). 1 of the submissions does not count toward it. Last evaluated 2025-11-18.

Conditions:
Pigmentary pallidal degeneration (NBIA1). Also called: Neurodegeneration with brain iron accumulation 1; PKAN NEUROAXONAL DYSTROPHY, JUVENILE-ONSET; Neuroaxonal dystrophy, late infantile; Hallervorden-Spatz disease; HARP SYNDROME; Pantothenate Kinase-Associated Neurodegeneration. Identifiers: Orphanet 157850, MedGen C0018523, MONDO:0009319, OMIM 234200.

Allele frequency attached by ClinVar (database versions not stated): gnomAD 0.00001; ExAC 0.00002; gnomAD exomes 0.00002 and 0.00003; TOPMed 0.00003.
gnomAD v4.1: 42 of 1,614,058 alleles (0.0026%); highest among the groups gnomAD compares: Non-Finnish European, 0.0034%; no homozygotes.

Submissions (6):

Labcorp Genetics (formerly Invitae), Labcorp
Classification: Likely pathogenic for Pigmentary pallidal degeneration. Last evaluated: 2025-11-18. Review status: criteria provided, single submitter. Criteria: Invitae Variant Classification Sherloc (09022015). Collection method: clinical testing. Allele origin: germline.
Comment: This sequence change replaces threonine, which is neutral and polar, with alanine, which is neutral and non-polar, at codon 234 of the PANK2 protein (p.Thr234Ala). This variant is present in population databases (rs137852965, gnomAD 0.004%). This missense change has been observed in individual(s) with clinical features of pantothenate kinase-associated neurodegeneration (PMID: 11479594, 16023068, 26547561). This variant is also known as c.400A>G (p.T124A) or c.370A>G. ClinVar contains an entry for this variant (Variation ID: 4554). Invitae Evidence Modeling of protein sequence and biophysical properties (such as structural, functional, and spatial information, amino acid conservation, physicochemical variation, residue mobility, and thermodynamic stability) has been performed for this missense variant. However, the output from this modeling did not meet the statistical confidence thresholds required to predict the impact of this variant on PANK2 protein function. Experimental studies have shown that this missense change does not substantially affect PANK2 function (PMID: 15659606). This variant disrupts the p.Thr234 amino acid residue in PANK2. Other variant(s) that disrupt this residue have been observed in individuals with PANK2-related conditions (PMID: 23166001), which suggests that this may be a clinically significant amino acid residue. In summary, the currently available evidence indicates that the variant is pathogenic, but additional data are needed to prove that conclusively. Therefore, this variant has been classified as Likely Pathogenic.

Mayo Clinic Laboratories, Mayo Clinic
Classification: Uncertain significance. Last evaluated: 2025-09-26. Review status: criteria provided, single submitter. Criteria: ACMG Guidelines, 2015. Collection method: clinical testing. Allele origin: germline. Observed: 2 variant alleles.
Comment: BS3, PP3, PM2_supporting, PM3_supporting

Women's Health and Genetics/Laboratory Corporation of America, LabCorp
Classification: Likely pathogenic for Pigmentary pallidal degeneration. Last evaluated: 2025-08-26. Review status: criteria provided, single submitter. Criteria: LabCorp Variant Classification Summary - May 2015. Collection method: clinical testing. Allele origin: germline.
Comment: Variant summary: PANK2 c.700A>G (p.Thr234Ala) results in a non-conservative amino acid change in the encoded protein sequence. Algorithms developed to predict the effect of missense changes on protein structure and function all suggest that this variant is likely to be disruptive. The variant allele was found at a frequency of 1.6e-05 in 251292 control chromosomes. c.700A>G has been reported in the literature as a biallelic compound heterozygous genotype in individuals affected with Pantothenate Kinase-Associated Neurodegeneration (e.g., Zhou_2001, Egan_2005). These data indicate that the variant may be associated with disease. At least one publication reports experimental evidence evaluating an impact on protein function (Kotzbauer_2005). The in vitro and transfection studies in this publication showed no damaging effect of this variant. The following publications have been ascertained in the context of this evaluation (PMID: 28113101, 16023068, 12510040, 15659606, 16450344, 27544236, 14743358, 26547561, 16272150, 11479594). ClinVar contains an entry for this variant (Variation ID: 4554). Based on the evidence outlined above, the variant was classified as likely pathogenic.

Fulgent Genetics
Classification: Likely pathogenic for Pigmentary pallidal degeneration. Last evaluated: 2024-05-26. Review status: criteria provided, single submitter. Criteria: ACMG Guidelines, 2015. Collection method: clinical testing. Allele origin: germline.

Blueprint Genetics
Classification: Uncertain significance. Last evaluated: 2022-11-09. Review status: criteria provided, single submitter. Criteria: ACMG Guidelines, 2015. Collection method: clinical testing. Allele origin: germline.

OMIM
Classification: Pathogenic for NEURODEGENERATION WITH BRAIN IRON ACCUMULATION 1. Last evaluated: 2001-08-01. Review status: no assertion criteria provided. Collection method: literature only. Allele origin: germline. Not counted in ClinVar's aggregate classification.

Literature cited by the submitters: PubMed 11479594 (cited by 4 submitters); PubMed 16023068 (cited by Labcorp Genetics (formerly Invitae), Labcorp and Women's Health and Genetics/Laboratory Corporation of America, LabCorp); PubMed 26547561 (cited by 3 submitters); PubMed 15659606 (cited by 3 submitters); PubMed 23166001 (cited by Labcorp Genetics (formerly Invitae), Labcorp); PubMed 12510040 (cited by Women's Health and Genetics/Laboratory Corporation of America, LabCorp); PubMed 16272150 (cited by Women's Health and Genetics/Laboratory Corporation of America, LabCorp); PubMed 28113101 (cited by Women's Health and Genetics/Laboratory Corporation of America, LabCorp); PubMed 16450344 (cited by Women's Health and Genetics/Laboratory Corporation of America, LabCorp); PubMed 27544236 (cited by Women's Health and Genetics/Laboratory Corporation of America, LabCorp); PubMed 14743358 (cited by Women's Health and Genetics/Laboratory Corporation of America, LabCorp).

NM_001386393.1(PANK2):c.370A>G (p.Thr124Ala)

Gene: PANK2 (pantothenate kinase 2; plus strand). Cytogenetic location: 20p13.
Variant type: single nucleotide variant.
Coding change: c.370A>G on transcript NM_001386393.1 (MANE Select); coding-DNA position 370, A replaced by G.
Protein change: p.Thr124Ala; replaces threonine 124 with alanine.
Molecular consequence: missense variant. On other transcripts: 5 prime UTR variant (4), non-coding transcript variant (1).
Genome position (GRCh38, 1-based): chr20:3,907,997, A>G. VCF-style: chr20-3907997-A-G. GRCh37 (hg19) VCF-style: chr20-3888644-A-G.
Other names: T124A; c.-174A>G (NM_001324191.2, NM_024960.6, NM_153640.4); c.700A>G, p.Thr234Ala (NM_001324192.1, NM_153638.4); c.-466A>G (NM_001324193.2); c.700A>G (NM_153638.3); short protein forms T234A.
Identifiers: ClinVar variation 4554 (VCV000004554.13), dbSNP rs137852965, ClinGen allele CA116921.